The following is an entry in ClinVar:

NM_001165963.4(SCN1A):c.3017del (p.Asp1006fs)

Gene: SCN1A (sodium voltage-gated channel alpha subunit 1; minus strand). Cytogenetic location: 2q24.3.
Variant type: Deletion.
Coding change: c.3017del on transcript NM_001165963.4 (MANE Select); coding-DNA position 3017, one base deleted (A; older notation c.3017delA).
Protein change: p.Asp1006fs; shifts the reading frame from aspartic acid 1006.
Molecular consequence: frameshift variant. On other transcripts: non-coding transcript variant (1).
Genome position (GRCh38, 1-based): chr2:166,036,460, T deleted on the plus strand (A on the coding strand, the reverse complement: SCN1A is on the minus strand). VCF-style (leftmost placement, unchanged base first): chr2-166036459-AT-A. GRCh37 (hg19) VCF-style: chr2-166892969-AT-A.
Other names: c.2933del, p.Asp978fs (NM_001165964.3, NM_001353957.2, NM_001353958.2); c.3017del, p.Asp1006fs (NM_001202435.3, NM_001353948.2); c.2984del, p.Asp995fs (NM_001353949.2, NM_001353950.2, NM_001353951.2 and 2 more transcripts); c.2981del, p.Asp994fs (NM_001353954.2, NM_001353955.2); c.2930del, p.Asp977fs (NM_001353960.2); c.575del, p.Asp192fs (NM_001353961.2); short protein forms D978fs, D995fs, D1006fs, D192fs, D977fs, D994fs.
Identifiers: ClinVar variation 189980 (VCV000189980.1), dbSNP rs794726813, ClinGen allele CA303472.

ClinVar aggregate classification (germline): Pathogenic (1 of 4 stars; one submission).

Conditions:
Severe myoclonic epilepsy in infancy (DRVT). Also called: Epileptic encephalopathy, early infantile, 6 (Dravet syndrome); SEVERE MYOCLONIC EPILEPSY OF INFANCY; DEVELOPMENTAL AND EPILEPTIC ENCEPHALOPATHY 6A; Severe Myoclonic Epilepsy in Infancy (SMEI); Dravet syndrome. Identifiers: Orphanet 33069, MedGen C0751122, MONDO:0100135, OMIM 607208.

Submission:

Center for Bioinformatics, Peking University
Classification: Pathogenic for Dravet syndrome. Last evaluated: 2014-12-20. Review status: criteria provided, single submitter. Criteria: Xu et al. (Hum Mutat. 2015). Collection method: research. Allele origin: de novo. Affected: yes. Observed: 1 variant allele. Study: University Clinical Cooperation “985 Project” PKU-2014-1-1.
Comment: Dravet syndrome (DS) probands were recruited from the outpatient and inpatient child neurology units of Peking University First Hospital from 2005 till present. The study was approved by the Ethics Committee of Peking University First Hospital and the Institutional Review Board at Peking University. Participants or their parents provided written informed consent before enrollment. We collected a total of 267 mutations from 255 families with probands diagnosed with DS in China. All probands fulfilled the clinical diagnostic criteria.